The following is an entry in ClinVar:

ClinVar aggregate classification (germline): Pathogenic (1 of 4 stars; one submission).

Conditions:
Intellectual developmental disorder, autosomal recessive 66. Also called: Intellectual disability, autosomal recessive 66; Mental retardation, autosomal recessive 66. Identifiers: MedGen C4748732, MONDO:0032605, OMIM 618221.

Allele frequency attached by ClinVar (database versions not stated): gnomAD exomes below 0.00001.
gnomAD v4.1: 1 of 1,607,908 alleles (0.000062%); highest among the groups gnomAD compares: South Asian, 0.0011%; no homozygotes.

Submission:

Victorian Clinical Genetics Services, Murdoch Childrens Research Institute
Classification: Pathogenic for Intellectual developmental disorder, autosomal recessive 66. Last evaluated: 2020-06-11. Review status: criteria provided, single submitter. Criteria: ACMG Guidelines, 2015. Collection method: clinical testing. Allele origin: germline. Inheritance: Autosomal recessive inheritance. Affected: yes.
Comment: Based on the classification scheme VCGS_Germline_v1.1.1, this variant is classified as pathogenic. Following criteria are met: 0102 - Loss-of-function is a likely mechanism of disease for this gene. (N) 0106 - This gene is known to be associated with autosomal recessive disease. (N) 0201 - Variant is predicted to cause nonsense-mediated decay (NMD) and loss of protein (exon 3 of 14). (P) 0252 - Variant is homozygous. (N) 0301 - Variant is absent from gnomAD. (P) 0703 - Comparable variants have moderate previous evidence for pathogenicity. Three variants also predicted to undergo NMD have been reported in patients with intellectual disability (ClinVar, PMID: 28097321, PMID: 25558065, PMID: 31334606). (P) 0807 - Variant has not previously been reported in a clinical context. (N) 0905 - No segregation evidence has been identified for this variant. (N) 1007 - No published functional evidence has been identified for this variant. (N) 1208 - Inheritance information for this variant is not currently available. (N) Legend: (P) - Pathogenic, (N) - Neutral, (B) - Benign

Literature cited by the submitters: PubMed 25558065; PubMed 28097321; PubMed 31334606.

NM_020374.4(FERRY3):c.187G>T (p.Glu63Ter)

Gene: FERRY3 (FERRY endosomal RAB5 effector complex subunit 3; minus strand). Cytogenetic location: 12p13.32.
Variant type: single nucleotide variant.
Coding change: c.187G>T on transcript NM_020374.4 (MANE Select); coding-DNA position 187, G replaced by T.
Protein change: p.Glu63Ter; replaces glutamic acid 63 with a stop codon.
Molecular consequence: nonsense. On other transcripts: 5 prime UTR variant (3), non-coding transcript variant (3).
Genome position (GRCh38, 1-based): chr12:4,534,294, C>A on the plus strand (G>T on the coding strand, the complement: FERRY3 is on the minus strand). VCF-style: chr12-4534294-C-A. GRCh37 (hg19) VCF-style: chr12-4643460-C-A.
Other names: c.187G>T, p.Glu63Ter (NM_001304811.2, NM_001346153.2, NM_001346155.2); c.-333G>T (NM_001346156.2, NM_001346157.2); c.-559G>T (NM_001352962.2); short protein forms E63*.
Identifiers: ClinVar variation 1805729 (VCV001805729.1), dbSNP rs2497659448, ClinGen allele CA383426559.
Genomic context (GRCh38, chr12:4,534,294, plus strand): 5'-CTTCAGCATCTCTATCATAATCGCTGAGGGATTCTTCTTCTATAAACTGAGTCAGAGCTT[C>A]TTTTAAGTCTGTTACAGGGACATCAAACACCATCGTCAGCAAAATCCAGGTATAAATAGG-3'